The following is an entry in ClinVar:

NM_000268.4(NF2):c.1445C>T (p.Pro482Leu)

Gene: NF2 (NF2, moesin-ezrin-radixin like (MERLIN) tumor suppressor; plus strand). Cytogenetic location: 22q12.2.
Variant type: single nucleotide variant.
Coding change: c.1445C>T on transcript NM_000268.4 (MANE Select); coding-DNA position 1445, C replaced by T.
Protein change: p.Pro482Leu; replaces proline 482 with leucine.
Molecular consequence: missense variant. On other transcripts: non-coding transcript variant (1), intron variant (1).
Genome position (GRCh38, 1-based): chr22:29,674,940, C>T. VCF-style: chr22-29674940-C-T. GRCh37 (hg19) VCF-style: chr22-30070929-C-T.
Other names: c.1445C>T, p.Pro482Leu (NM_016418.5, NM_181825.3, NM_181832.3); c.1319C>T, p.Pro440Leu (NM_181828.3); c.1322C>T, p.Pro441Leu (NM_181829.3); c.1196C>T, p.Pro399Leu (NM_181830.3, NM_181831.3); c.448-19812C>T (NM_181833.3); short protein forms P482L, P399L, P440L, P441L.
Identifiers: ClinVar variation 527690 (VCV000527690.21), dbSNP rs766339217, ClinGen allele CA031430.
Genomic context (GRCh38, chr22:29,674,940, plus strand): 5'-GCGAGGCGGAGCGAAGAGCCAAGCAGAAGCTCCTGGAGATTGCCACCAAGCCCACGTACC[C>T]GGTGAGCCTGGGGGCCACCAGCTGGGGCTGCCTTAGTCCTGGTGATGTTCTCTTTCCTCC-3'
Protein context (NP_000259.1, residues 472-492): LLEIATKPTY[Pro482Leu]PMNPIPAPLP

ClinVar aggregate classification (germline): Conflicting classifications of pathogenicity. Review status: criteria provided, conflicting classifications (1 of 4 stars). 8 submissions from 8 submitters: Uncertain significance (6); Likely benign (2). Last evaluated 2026-01-20.

Conditions:
Familial meningioma. Also called: Meningioma, familial, susceptibility to. Identifiers: Orphanet 263662, MedGen C3551915, MONDO:0011789, OMIM 607174.
Neurofibromatosis, type 2 (SWNV). Also called: NF2-Related Schwannomatosis; SCHWANNOMATOSIS, VESTIBULAR; BILATERAL ACOUSTIC NEUROFIBROMATOSIS. Identifiers: Orphanet 637, MedGen C0027832, MONDO:0007039, OMIM 101000. Disease mechanism: loss of function.
Hereditary cancer-predisposing syndrome. Also called: Hereditary Cancer Syndrome; Neoplastic Syndromes, Hereditary; Hereditary neoplastic syndrome; Tumor predisposition. Identifiers: Orphanet 140162, MedGen C0027672, MeSH D009386, MONDO:0015356.

Allele frequency attached by ClinVar (database versions not stated): gnomAD exomes 0.00001; TOPMed 0.00001; ExAC 0.00009.
gnomAD v4.1: 21 of 1,561,360 alleles (0.0013%); highest among the groups gnomAD compares: Middle Eastern, 0.017%; no homozygotes.

Submissions (8):

Labcorp Genetics (formerly Invitae), Labcorp
Classification: Likely benign for Neurofibromatosis, type 2. Last evaluated: 2026-01-20. Review status: criteria provided, single submitter. Criteria: Invitae Variant Classification Sherloc (09022015). Collection method: clinical testing. Allele origin: germline.

Women's Health and Genetics/Laboratory Corporation of America, LabCorp
Classification: Likely benign. Last evaluated: 2026-01-06. Review status: criteria provided, single submitter. Criteria: LabCorp Variant Classification Summary - May 2015. Collection method: clinical testing. Allele origin: germline.
Comment: Variant summary: NF2 c.1445C>T (p.Pro482Leu) results in a non-conservative amino acid change in the encoded protein sequence. Algorithms developed to predict the effect of missense changes on protein structure and function are either unavailable or do not agree on the potential impact of this missense change. Consensus agreement among computation tools predict no significant impact on normal splicing. However, these predictions have yet to be confirmed by functional studies. The variant allele was found at a frequency of 1.2e-05 in 167120 control chromosomes (gnomAD v2). The available data on variant occurrences in the general population are insufficient to allow any conclusion about variant significance. However the variant was reported as 21 heterozygotes in the gnomAD v4 database. To our knowledge, no occurrence of c.1445C>T in individuals affected with NF2-related conditions and no experimental evidence demonstrating its impact on protein function have been reported. ClinVar contains an entry for this variant (Variation ID: 527690). Based on the evidence outlined above, the variant was classified as likely benign.

All of Us Research Program, National Institutes of Health
Classification: Uncertain significance for Neurofibromatosis, type 2. Last evaluated: 2024-07-29. Review status: criteria provided, single submitter. Criteria: ACMG Guidelines, 2015. Collection method: clinical testing. Allele origin: germline. Inheritance: Autosomal dominant inheritance. Observed: 1 variant allele, 1 heterozygote.
Comment: This missense variant replaces proline with leucine at codon 482 of the NF2 protein. Computational prediction suggests that this variant may not impact protein structure and function. To our knowledge, functional studies have not been reported for this variant. This variant has not been reported in individuals affected with NF2-related disorders in the literature. This variant has been identified in 2/167120 chromosomes in the general population by the Genome Aggregation Database (gnomAD). The available evidence is insufficient to determine the role of this variant in disease conclusively. Therefore, this variant is classified as a Variant of Uncertain Significance.

This study involves interpretation of variants in research participants for the purpose of population health screening. Participant phenotype was not available at the time of variant classification. Additional details can be found in publication PMID: 35346344, PMCID: PMC8962531

Color Diagnostics, LLC DBA Color Health
Classification: Uncertain significance for Neurofibromatosis, type 2. Last evaluated: 2024-07-17. Review status: criteria provided, single submitter. Criteria: ACMG Guidelines, 2015. Collection method: clinical testing. Allele origin: germline.
Comment: This missense variant replaces proline with leucine at codon 482 of the NF2 protein. Computational prediction suggests that this variant may not impact protein structure and function. To our knowledge, functional studies have not been reported for this variant. This variant has not been reported in individuals affected with NF2-related disorders in the literature. This variant has been identified in 2/167120 chromosomes in the general population by the Genome Aggregation Database (gnomAD). The available evidence is insufficient to determine the role of this variant in disease conclusively. Therefore, this variant is classified as a Variant of Uncertain Significance.

Ambry Genetics
Classification: Uncertain significance for Hereditary cancer-predisposing syndrome. Last evaluated: 2024-05-06. Review status: criteria provided, single submitter. Criteria: Ambry Variant Classification Scheme 2023. Collection method: clinical testing. Allele origin: germline.
Comment: The p.P482L variant (also known as c.1445C>T), located in coding exon 13 of the NF2 gene, results from a C to T substitution at nucleotide position 1445. The proline at codon 482 is replaced by leucine, an amino acid with similar properties. This amino acid position is not well conserved in available vertebrate species. In addition, this alteration is predicted to be tolerated by in silico analysis. Based on the available evidence, the clinical significance of this variant remains unclear.

Genome-Nilou Lab
Classification: Uncertain significance for Neurofibromatosis, type 2. Last evaluated: 2021-11-07. Review status: criteria provided, single submitter. Criteria: ACMG Guidelines, 2015. Collection method: clinical testing. Allele origin: germline. Affected: no.

Mendelics
Classification: Uncertain significance for Neurofibromatosis, type 2. Last evaluated: 2018-07-02. Review status: criteria provided, single submitter. Criteria: Mendelics Assertion Criteria 2017. Collection method: clinical testing. Allele origin: unknown.

Juno Genomics, Hangzhou Juno Genomics, Inc
Classification: Uncertain significance for Neurofibromatosis, type 2; Familial meningioma. Review status: criteria provided, single submitter. Criteria: ACMG Guidelines, 2015. Collection method: clinical testing. Allele origin: germline.
Comment: Absent from controls (or at extremely low frequency if recessive) in Genome Aggregation Database.;Multiple lines of computational evidence suggest no impact on gene or gene product.